The following is an entry in ClinVar:

ClinVar aggregate classification (germline): Uncertain significance (1 of 4 stars; one submission).

Allele frequency attached by ClinVar (database versions not stated): gnomAD exomes below 0.00001; TOPMed below 0.00001.
gnomAD v4.1: 3 of 1,613,842 alleles (0.00019%); highest among the groups gnomAD compares: Non-Finnish European, 0.00025%; no homozygotes.

Submission:

GeneDx
Classification: Uncertain significance. Last evaluated: 2026-07-23. Review status: criteria provided, single submitter. Criteria: GeneDx Variant Classification Process June 2021. Collection method: clinical testing. Allele origin: germline.
Comment: Not observed at significant frequency in large population cohorts (gnomAD); In silico analysis supports that this missense variant has a deleterious effect on protein structure/function; Has not been previously published as pathogenic or benign to our knowledge; This variant is associated with the following publications: (PMID: 27535533)

NM_001297595.2(SIN3B):c.1916A>G (p.Tyr639Cys)

Gene: SIN3B (SIN3 transcription regulator family member B; plus strand). Cytogenetic location: 19p13.11.
Variant type: single nucleotide variant.
Coding change: c.1916A>G on transcript NM_001297595.2 (MANE Select); coding-DNA position 1916, A replaced by G.
Protein change: p.Tyr639Cys; replaces tyrosine 639 with cysteine.
Molecular consequence: missense variant.
Genome position (GRCh38, 1-based): chr19:16,869,569, A>G. VCF-style: chr19-16869569-A-G. GRCh37 (hg19) VCF-style: chr19-16980380-A-G.
Other names: c.2012A>G, p.Tyr671Cys (NM_015260.4); c.686A>G, p.Tyr229Cys (NM_001297597.2); short protein forms Y229C, Y639C, Y671C.
Identifiers: ClinVar variation 1331272 (VCV001331272.3), dbSNP rs2051477918, ClinGen allele CA404643134.
Genomic context (GRCh38, chr19:16,869,569, plus strand): 5'-ACCTCATCTTTGTGTACGAGGACCGGCAGATCCTGGAGGACGCAGCAGCGCTCATCAGCT[A>G]CTACGTGAAGCGGCAGCCGGCCATCCAGAAGGAGGACCAGGGCACCATCCACCAGCTGCT-3'
Protein context (NP_001284524.1, residues 629-649): ILEDAAALIS[Tyr639Cys]YVKRQPAIQK